The following is an entry in ClinVar:

NM_001127222.2(CACNA1A):c.1805T>C (p.Leu602Pro)

Gene: CACNA1A (calcium voltage-gated channel subunit alpha1 A; minus strand). Cytogenetic location: 19p13.13.
Variant type: single nucleotide variant.
Coding change: c.1805T>C on transcript NM_001127222.2 (MANE Select); coding-DNA position 1805, T replaced by C.
Protein change: p.Leu602Pro; replaces leucine 602 with proline.
Molecular consequence: missense variant.
Genome position (GRCh38, 1-based): chr19:13,308,228, A>G on the plus strand (T>C on the coding strand, the complement: CACNA1A is on the minus strand). VCF-style: chr19-13308228-A-G. GRCh37 (hg19) VCF-style: chr19-13419042-A-G.
Other names: c.1808T>C, p.Leu603Pro (NM_000068.4, NM_001127221.2, NM_001174080.2 and 1 more transcripts); c.1808T>C (NM_001127221.1); short protein forms L602P, L603P.
Identifiers: ClinVar variation 1005112 (VCV001005112.10), dbSNP rs2057948232, ClinGen allele CA404344946.
Genomic context (GRCh38, chr19:13,308,228, plus strand): 5'-AGGAAAAGGAGAAACAACAGGCTGATGATGGACTTCATGGAGTTGAGGAGAGAGACGACC[A>G]GGTTTCTGAGAGATGCCCAGTACCTGCCGACAGAGGCCAGGCGAGGACTCAGGCCAGGCG-3'
Protein context (NP_001120694.1, residues 592-612): VTKYWASLRN[Leu602Pro]VVSLLNSMKS

ClinVar aggregate classification (germline): Uncertain significance. Review status: criteria provided, multiple submitters, no conflicts (2 of 4 stars). 2 submissions from 2 submitters: Uncertain significance (2). Last evaluated 2026-08-12.

Conditions:
Developmental and epileptic encephalopathy, 42 (DEE42A). Also called: Epileptic encephalopathy, early infantile, 42; DEVELOPMENTAL AND EPILEPTIC ENCEPHALOPATHY 42A; EPILEPTIC ENCEPHALOPATHY, EARLY INFANTILE, 42A. Identifiers: MedGen C4310716, MONDO:0014917, OMIM 617106.
Episodic ataxia type 2 (EA2). Also called: ACETAZOLAMIDE-RESPONSIVE HEREDITARY PAROXYSMAL CEREBELLAR ATAXIA; ATAXIA, EPISODIC, WITH NYSTAGMUS; ATAXIA, FAMILIAL PAROXYSMAL; CEREBELLAR ATAXIA, PAROXYSMAL, ACETAZOLAMIDE-RESPONSIVE; CEREBELLOPATHY, HEREDITARY PAROXYSMAL; EPISODIC ATAXIA, NYSTAGMUS-ASSOCIATED. Identifiers: Orphanet 97, MedGen C1720416, MONDO:0007163, OMIM 108500.
Inborn genetic diseases. Identifiers: MedGen C0950123, MeSH D030342.

Submissions (2):

Ambry Genetics
Classification: Uncertain significance for Inborn genetic diseases. Last evaluated: 2026-08-12. Review status: criteria provided, single submitter. Criteria: Ambry Variant Classification Scheme 2023. Collection method: clinical testing. Allele origin: germline.
Comment: The c.1808T>C (p.L603P) alteration is located in exon 14 (coding exon 14) of the CACNA1A gene. This alteration results from a T to C substitution at nucleotide position 1808, causing the leucine (L) at amino acid position 603 to be replaced by a proline (P). for CACNA1A-related neurologic disorder; however, it is unlikely to be causative of CACNA1A-related spinocerebellar ataxia This variant was not reported in population-based cohorts in the Genome Aggregation Database (gnomAD). This amino acid position is highly conserved in available vertebrate species. This missense variant is located in a region that has a low rate of benign missense variation (Lek, 2016; Firth, 2009). This alteration is predicted to be deleterious by in silico analysis. Based on insufficient or conflicting evidence, the clinical significance of this alteration remains unclear.

Labcorp Genetics (formerly Invitae), Labcorp
Classification: Uncertain significance for Developmental and epileptic encephalopathy, 42; Episodic ataxia type 2. Last evaluated: 2020-11-16. Review status: criteria provided, single submitter. Criteria: Invitae Variant Classification Sherloc (09022015). Collection method: clinical testing. Allele origin: germline.
Comment: This variant has not been reported in the literature in individuals with CACNA1A-related conditions. This sequence change replaces leucine with proline at codon 603 of the CACNA1A protein (p.Leu603Pro). The leucine residue is highly conserved and there is a moderate physicochemical difference between leucine and proline. This variant is not present in population databases (ExAC no frequency). In summary, the available evidence is currently insufficient to determine the role of this variant in disease. Therefore, it has been classified as a Variant of Uncertain Significance. Advanced modeling of protein sequence and biophysical properties (such as structural, functional, and spatial information, amino acid conservation, physicochemical variation, residue mobility, and thermodynamic stability) performed at Invitae indicates that this missense variant is expected to disrupt CACNA1A protein function.